The following is an entry in ClinVar:

NM_001378477.3(NYX):c.456A>C (p.Glu152Asp)

Gene: NYX (nyctalopin; plus strand). Cytogenetic location: Xp11.4.
Variant type: single nucleotide variant.
Coding change: c.456A>C on transcript NM_001378477.3 (MANE Select); coding-DNA position 456, A replaced by C.
Protein change: p.Glu152Asp; replaces glutamic acid 152 with aspartic acid.
Molecular consequence: missense variant.
Genome position (GRCh38, 1-based): chrX:41,473,924, A>C. VCF-style: chrX-41473924-A-C. GRCh37 (hg19) VCF-style: chrX-41333177-A-C.
Other names: c.456A>C, p.Glu152Asp (NM_022567.3); c.471A>C (NM_022567.2); short protein forms E152D.
Identifiers: ClinVar variation 1467224 (VCV001467224.11), dbSNP rs1221253582, ClinGen allele CA412990439.

ClinVar aggregate classification (germline): Uncertain significance. Review status: criteria provided, multiple submitters, no conflicts (2 of 4 stars). 4 submissions from 4 submitters: Uncertain significance (4). Last evaluated 2026-02-27.

Conditions:
NYX-related disorder. Also called: NYX-related condition.
Inborn genetic diseases. Identifiers: MedGen C0950123, MeSH D030342.

Allele frequency attached by ClinVar (database versions not stated): TOPMed 0.00002; gnomAD exomes 0.00003.
gnomAD v4.1: 29 of 1,120,249 alleles (0.0026%); highest among the groups gnomAD compares: East Asian, 0.0038%; no homozygotes.

Submissions (4):

Ambry Genetics
Classification: Uncertain significance for Inborn genetic diseases. Last evaluated: 2026-02-27. Review status: criteria provided, single submitter. Criteria: Ambry Variant Classification Scheme 2023. Collection method: clinical testing. Allele origin: germline.

PreventionGenetics, part of Exact Sciences
Classification: Uncertain significance for NYX-related condition. Last evaluated: 2025-11-03. Review status: criteria provided, single submitter. Criteria: ACMG Guidelines, 2015. Collection method: clinical testing. Allele origin: germline.
Comment: The NYX c.471A>C variant is predicted to result in the amino acid substitution p.Glu157Asp. To our knowledge, this variant has not been reported in the literature or in a large population database (gnomAD), indicating this variant is rare. At this time, the clinical significance of this variant is uncertain due to the absence of conclusive functional and genetic evidence.

Labcorp Genetics (formerly Invitae), Labcorp
Classification: Uncertain significance. Last evaluated: 2025-10-18. Review status: criteria provided, single submitter. Criteria: Invitae Variant Classification Sherloc (09022015). Collection method: clinical testing. Allele origin: germline.
Comment: This sequence change replaces glutamic acid, which is acidic and polar, with aspartic acid, which is acidic and polar, at codon 157 of the NYX protein (p.Glu157Asp). This variant is not present in population databases (gnomAD no frequency). This variant has not been reported in the literature in individuals affected with NYX-related conditions. ClinVar contains an entry for this variant (Variation ID: 1467224). Invitae Evidence Modeling of protein sequence and biophysical properties (such as structural, functional, and spatial information, amino acid conservation, physicochemical variation, residue mobility, and thermodynamic stability) indicates that this missense variant is not expected to disrupt NYX protein function with a negative predictive value of 80%. In summary, the available evidence is currently insufficient to determine the role of this variant in disease. Therefore, it has been classified as a Variant of Uncertain Significance.

Blueprint Genetics
Classification: Uncertain significance. Last evaluated: 2022-09-26. Review status: criteria provided, single submitter. Criteria: ACMG Guidelines, 2015. Collection method: clinical testing. Allele origin: germline.